The following is an entry in ClinVar:

NM_000368.5(TSC1):c.913+9T>C

Gene: TSC1 (TSC complex subunit 1; minus strand). Cytogenetic location: 9q34.13.
Variant type: single nucleotide variant.
Coding change: c.913+9T>C on transcript NM_000368.5 (MANE Select); 9 bases into the intron after coding-DNA position 913, T replaced by C.
Molecular consequence: intron variant.
Genome position (GRCh38, 1-based): chr9:132,912,273, A>G on the plus strand (T>C on the coding strand, the complement: TSC1 is on the minus strand). VCF-style: chr9-132912273-A-G. GRCh37 (hg19) VCF-style: chr9-135787660-A-G.
Other names: c.550+9T>C (NM_001362177.2); c.760+9T>C (NM_001162427.2); c.913+9T>C (NM_001162426.2).
Identifiers: ClinVar variation 705576 (VCV000705576.12), dbSNP rs1588326345, ClinGen allele CA915947257.

ClinVar aggregate classification (germline): Conflicting classifications of pathogenicity. Review status: criteria provided, conflicting classifications (1 of 4 stars). 3 submissions from 3 submitters: Uncertain significance (1); Likely benign (2). Last evaluated 2026-01-21.

Conditions:
Tuberous sclerosis 1 (TSC1). Identifiers: Orphanet 805, MedGen C1854465, MONDO:0008612, OMIM 191100.

Allele frequency attached by ClinVar (database versions not stated): gnomAD exomes below 0.00001; TOPMed 0.00002.
gnomAD v4.1: 5 of 1,614,066 alleles (0.00031%); highest among the groups gnomAD compares: East Asian, 0.0022%; no homozygotes.

Submissions (3):

Labcorp Genetics (formerly Invitae), Labcorp
Classification: Likely benign for Tuberous sclerosis 1. Last evaluated: 2026-01-21. Review status: criteria provided, single submitter. Criteria: Invitae Variant Classification Sherloc (09022015). Collection method: clinical testing. Allele origin: germline.

Quest Diagnostics Nichols Institute San Juan Capistrano
Classification: Uncertain significance. Last evaluated: 2025-04-29. Review status: criteria provided, single submitter. Criteria: Quest Diagnostics criteria. Collection method: clinical testing. Allele origin: unknown.

Myriad Genetics, Inc.
Classification: Likely benign for Tuberous sclerosis 1. Last evaluated: 2025-04-09. Review status: criteria provided, single submitter. Criteria: Myriad Autosomal Dominant, Autosomal Recessive and X-Linked Classification Criteria (2023). Collection method: clinical testing. Allele origin: unknown.
Comment: This variant is considered likely benign. This variant is intronic and is not expected to impact mRNA splicing.